The following is an entry in ClinVar:

NM_006031.6(PCNT):c.9015G>A (p.Thr3005=)

Gene: PCNT (pericentrin; plus strand). Cytogenetic location: 21q22.3.
Variant type: single nucleotide variant.
Coding change: c.9015G>A on transcript NM_006031.6 (MANE Select); coding-DNA position 9015, G replaced by A.
Protein change: p.Thr3005=; no amino-acid change (threonine 3005 retained).
Molecular consequence: synonymous variant.
Genome position (GRCh38, 1-based): chr21:46,436,997, G>A. VCF-style: chr21-46436997-G-A. GRCh37 (hg19) VCF-style: chr21-47856910-G-A.
Other names: c.8424G>A, p.Thr2808= (NM_001315529.2).
Identifiers: ClinVar variation 159687 (VCV000159687.25), dbSNP rs79359463, ClinGen allele CA173140.
Genomic context (GRCh38, chr21:46,436,997, plus strand): 5'-TGGGGCGCGTATGCAACTTTGAGTGCCCATTTATTTTTACAGGACAGTTAATGATTGGAC[G>A]TCATCCAATGAGAAAGCAGTGATGTCTTTACTGCACACGTTGGAGGAGCTGAAGTCTGAC-3'
Protein context (NP_006022.3, residues 2995-3015): QAVDRTVNDW[Thr3005=]SSNEKAVMSL

ClinVar aggregate classification (germline): Benign. Review status: criteria provided, multiple submitters, no conflicts (2 of 4 stars). 6 submissions from 6 submitters: Benign (6). Last evaluated 2026-02-02.

Conditions:
Microcephalic osteodysplastic primordial dwarfism type II (MOPD2). Also called: Microcephalic osteodysplastic primordial dwarfism with tooth abnormalities; MOPD II; OSTEODYSPLASTIC PRIMORDIAL DWARFISM, TYPE II. Identifiers: Orphanet 2637, MedGen C0432246, MONDO:0008872, OMIM 210720.

Allele frequency attached by ClinVar (database versions not stated): gnomAD exomes 0.00091 and 0.00244; ExAC 0.00294; gnomAD 0.00913 and 0.00973; ESP Exome Variant Server 0.01038; TOPMed 0.01038; 1000 Genomes Project 0.01478; 1000 Genomes Project 30x 0.01483.
gnomAD v4.1: 2,783 of 1,613,778 alleles (0.17%); highest among the groups gnomAD compares: African/African-American, 3.2%; 38 homozygotes.

Submissions (6):

Labcorp Genetics (formerly Invitae), Labcorp
Classification: Benign. Last evaluated: 2026-02-02. Review status: criteria provided, single submitter. Criteria: Invitae Variant Classification Sherloc (09022015). Collection method: clinical testing. Allele origin: germline.

ARUP Laboratories, Molecular Genetics and Genomics, ARUP Laboratories
Classification: Benign for Microcephalic osteodysplastic primordial dwarfism type II. Last evaluated: 2023-02-10. Review status: criteria provided, single submitter. Criteria: ARUP Molecular Germline Variant Investigation Process 2024. Collection method: clinical testing. Allele origin: germline.

Illumina Laboratory Services, Illumina
Classification: Benign for Microcephalic osteodysplastic primordial dwarfism type II. Last evaluated: 2018-01-13. Review status: criteria provided, single submitter. Criteria: ICSL Variant Classification Criteria 13 December 2019. Collection method: clinical testing. Allele origin: germline.
Comment: This variant was observed in the ICSL laboratory as part of a predisposition screen in an ostensibly healthy population. It had not been previously curated by ICSL or reported in the Human Gene Mutation Database (HGMD: prior to June 1st, 2018), and was therefore a candidate for classification through an automated scoring system. Utilizing variant allele frequency, disease prevalence and penetrance estimates, and inheritance mode, an automated score was calculated to assess if this variant is too frequent to cause the disease. Based on the score and internal cut-off values, a variant classified as benign is not then subjected to further curation. The score for this variant resulted in a classification of benign for this disease.

GeneDx
Classification: Benign. Last evaluated: 2016-05-06. Review status: criteria provided, single submitter. Criteria: GeneDx Variant Classification (06012015). Collection method: clinical testing. Allele origin: germline. Affected: yes.
Comment: This variant is considered likely benign or benign based on one or more of the following criteria: it is a conservative change, it occurs at a poorly conserved position in the protein, it is predicted to be benign by multiple in silico algorithms, and/or has population frequency not consistent with disease.

Genetic Services Laboratory, University of Chicago
Classification: Benign. Last evaluated: 2013-02-08. Review status: criteria provided, single submitter. Criteria: ACMG Guidelines, 2007. Collection method: clinical testing. Allele origin: germline. Inheritance: Autosomal recessive inheritance.

Breakthrough Genomics
Classification: Benign. Review status: criteria provided, single submitter. Criteria: ACMG Guidelines, 2015. Collection method: not provided. Allele origin: germline. Inheritance: Autosomal recessive inheritance. Affected: yes.